The following is an entry in ClinVar:

ClinVar aggregate classification (germline): Benign (1 of 4 stars; one submission).

Conditions:
Intellectual developmental disorder, X-linked 97. Also called: Intellectual disability, X-linked 97. Identifiers: Orphanet 777, MedGen C2749020, MONDO:0010430, OMIM 300803.

Allele frequency attached by ClinVar (database versions not stated): gnomAD 0.00003 and 0.00001; 1000 Genomes Project 30x 0.00021; 1000 Genomes Project 0.00026; gnomAD exomes 0.00002; TOPMed 0.00002; ExAC 0.00003.
gnomAD v4.1: 12 of 1,209,457 alleles (0.00099%); highest among the groups gnomAD compares: Middle Eastern, 0.046%; no homozygotes.

Submission:

Illumina Laboratory Services, Illumina
Classification: Benign for Intellectual developmental disorder, X-linked 97. Last evaluated: 2018-04-20. Review status: criteria provided, single submitter. Criteria: ICSL Variant Classification Criteria 13 December 2019. Collection method: clinical testing. Allele origin: germline.
Comment: This variant was observed in the ICSL laboratory as part of a predisposition screen in an ostensibly healthy population. It had not been previously curated by ICSL or reported in the Human Gene Mutation Database (HGMD: prior to June 1st, 2018), and was therefore a candidate for classification through an automated scoring system. Utilizing variant allele frequency, disease prevalence and penetrance estimates, and inheritance mode, an automated score was calculated to assess if this variant is too frequent to cause the disease. Based on the score and internal cut-off values, a variant classified as benign is not then subjected to further curation. The score for this variant resulted in a classification of benign for this disease.

NM_001330574.2(ZNF711):c.2109C>T (p.Ser703=)

Gene: ZNF711 (ZFX family zinc finger ZNF711; plus strand). Cytogenetic location: Xq21.1.
Variant type: single nucleotide variant.
Coding change: c.2109C>T on transcript NM_001330574.2 (MANE Select); coding-DNA position 2109, C replaced by T.
Protein change: p.Ser703=; no amino-acid change (serine 703 retained).
Molecular consequence: synonymous variant.
Genome position (GRCh38, 1-based): chrX:85,271,513, C>T. VCF-style: chrX-85271513-C-T. GRCh37 (hg19) VCF-style: chrX-84526519-C-T.
Other names: c.2109C>T, p.Ser703= (NM_001375431.1, NM_001375432.1, NM_001375433.1); c.1971C>T, p.Ser657= (NM_001375434.1, NM_001375435.1, NM_001375436.1 and 2 more transcripts).
Identifiers: ClinVar variation 913214 (VCV000913214.4), dbSNP rs150030676, ClinGen allele CA10464829.